The following is an entry in ClinVar:

ClinVar aggregate classification (germline): Uncertain significance (1 of 4 stars; one submission).

Conditions:
Inborn genetic diseases. Identifiers: MedGen C0950123, MeSH D030342.

Submission:

Ambry Genetics
Classification: Uncertain significance for Inborn genetic diseases. Last evaluated: 2025-04-21. Review status: criteria provided, single submitter. Criteria: Ambry Variant Classification Scheme 2023. Collection method: clinical testing. Allele origin: germline.
Comment: The p.G1026E variant (also known as c.3077G>A), located in coding exon 13 of the ASXL1 gene, results from a G to A substitution at nucleotide position 3077. The glycine at codon 1026 is replaced by glutamic acid, an amino acid with similar properties. This amino acid position is conserved. In addition, this alteration is predicted to be tolerated by in silico analysis. Based on the available evidence, the clinical significance of this variant remains unclear.

NM_015338.6(ASXL1):c.3077G>A (p.Gly1026Glu)

Gene: ASXL1 (ASXL transcriptional regulator 1; plus strand). Cytogenetic location: 20q11.21.
Variant type: single nucleotide variant.
Coding change: c.3077G>A on transcript NM_015338.6 (MANE Select); coding-DNA position 3077, G replaced by A.
Protein change: p.Gly1026Glu; replaces glycine 1026 with glutamic acid.
Molecular consequence: missense variant.
Genome position (GRCh38, 1-based): chr20:32,435,789, G>A. VCF-style: chr20-32435789-G-A. GRCh37 (hg19) VCF-style: chr20-31023592-G-A.
Other names: c.2894G>A, p.Gly965Glu (NM_001363734.1); short protein forms G1026E, G965E.
Identifiers: ClinVar variation 3956442 (VCV003956442.1).